The following is an entry in ClinVar:

ClinVar aggregate classification (germline): Uncertain significance. Review status: criteria provided, multiple submitters, no conflicts (2 of 4 stars). 2 submissions from 2 submitters: Uncertain significance (2). Last evaluated 2025-11-20.

Conditions:
Inborn genetic diseases. Identifiers: MedGen C0950123, MeSH D030342.

Allele frequency attached by ClinVar (database versions not stated): gnomAD 0.00001; 1000 Genomes Project 30x 0.00031; gnomAD exomes below 0.00001; 1000 Genomes Project 0.00020; TOPMed below 0.00001; ExAC 0.00001.
gnomAD v4.1: 5 of 1,614,186 alleles (0.00031%); highest among the groups gnomAD compares: Admixed American, 0.0017%; no homozygotes.

Submissions (2):

Ambry Genetics
Classification: Uncertain significance for Inborn genetic diseases. Last evaluated: 2025-11-20. Review status: criteria provided, single submitter. Criteria: Ambry Variant Classification Scheme 2023. Collection method: clinical testing. Allele origin: germline.

Labcorp Genetics (formerly Invitae), Labcorp
Classification: Uncertain significance. Last evaluated: 2022-04-21. Review status: criteria provided, single submitter. Criteria: Invitae Variant Classification Sherloc (09022015). Collection method: clinical testing. Allele origin: germline.
Comment: This sequence change replaces glycine, which is neutral and non-polar, with valine, which is neutral and non-polar, at codon 1482 of the ERCC6 protein (p.Gly1482Val). This variant is present in population databases (rs574307052, gnomAD 0.0009%). This variant has not been reported in the literature in individuals affected with ERCC6-related conditions. Algorithms developed to predict the effect of missense changes on protein structure and function (SIFT, PolyPhen-2, Align-GVGD) all suggest that this variant is likely to be disruptive. In summary, the available evidence is currently insufficient to determine the role of this variant in disease. Therefore, it has been classified as a Variant of Uncertain Significance.

NM_000124.4(ERCC6):c.4445G>T (p.Gly1482Val)

Gene: ERCC6 (ERCC excision repair 6, chromatin remodeling factor; minus strand). Cytogenetic location: 10q11.23.
Variant type: single nucleotide variant.
Coding change: c.4445G>T on transcript NM_000124.4 (MANE Select); coding-DNA position 4445, G replaced by T.
Protein change: p.Gly1482Val; replaces glycine 1482 with valine.
Molecular consequence: missense variant.
Genome position (GRCh38, 1-based): chr10:49,458,852, C>A on the plus strand (G>T on the coding strand, the complement: ERCC6 is on the minus strand). VCF-style: chr10-49458852-C-A. GRCh37 (hg19) VCF-style: chr10-50666898-C-A.
Other names: c.4445G>T, p.Gly1482Val (NM_001346440.2); c.4445G>T (NM_000124.2); short protein forms G1482V.
Identifiers: ClinVar variation 1365267 (VCV001365267.4), dbSNP rs574307052, ClinGen allele CA5495116.